The following is an entry in ClinVar:

NM_032130.3(FAM186B):c.2461C>T (p.Arg821Cys)

Gene: FAM186B (family with sequence similarity 186 member B; minus strand). Cytogenetic location: 12q13.12.
Variant type: single nucleotide variant.
Coding change: c.2461C>T on transcript NM_032130.3 (MANE Select); coding-DNA position 2461, C replaced by T.
Protein change: p.Arg821Cys; replaces arginine 821 with cysteine.
Molecular consequence: missense variant. On other transcripts: non-coding transcript variant (1).
Genome position (GRCh38, 1-based): chr12:49,588,527, G>A on the plus strand (C>T on the coding strand, the complement: FAM186B is on the minus strand). VCF-style: chr12-49588527-G-A. GRCh37 (hg19) VCF-style: chr12-49982310-G-A.
Other names: short protein forms R821C.
Identifiers: ClinVar variation 4696585 (VCV004696585.1).

ClinVar aggregate classification (germline): Uncertain significance (1 of 4 stars; one submission).

gnomAD v4.1: 26 of 1,613,408 alleles (0.0016%); highest among the groups gnomAD compares: East Asian, 0.022%; no homozygotes.

Submission:

Labcorp Genetics (formerly Invitae), Labcorp
Classification: Uncertain significance. Last evaluated: 2025-04-24. Review status: criteria provided, single submitter. Criteria: Invitae Variant Classification Sherloc (09022015). Collection method: clinical testing. Allele origin: germline.
Comment: This sequence change replaces arginine, which is basic and polar, with cysteine, which is neutral and slightly polar, at codon 821 of the FAM186B protein (p.Arg821Cys). The frequency data for this variant in the population databases is considered unreliable, as metrics indicate poor data quality at this position in the gnomAD database. This variant has not been reported in the literature in individuals affected with FAM186B-related conditions. An algorithm developed to predict the effect of missense changes on protein structure and function outputs the following: PolyPhen-2: "Benign". The cysteine amino acid residue is found in multiple mammalian species, which suggests that this missense change does not adversely affect protein function. In summary, the available evidence is currently insufficient to determine the role of this variant in disease. Therefore, it has been classified as a Variant of Uncertain Significance.